The following is an entry in ClinVar:

ClinVar aggregate classification (germline): Uncertain significance (1 of 4 stars; one submission).

Allele frequency attached by ClinVar (database versions not stated): gnomAD exomes below 0.00001; ExAC 0.00001.
gnomAD v4.1: 3 of 1,614,222 alleles (0.00019%); highest among the groups gnomAD compares: Non-Finnish European, 0.00025%; no homozygotes.

Submission:

Labcorp Genetics (formerly Invitae), Labcorp
Classification: Uncertain significance. Last evaluated: 2021-12-21. Review status: criteria provided, single submitter. Criteria: Invitae Variant Classification Sherloc (09022015). Collection method: clinical testing. Allele origin: germline.
Comment: This sequence change replaces isoleucine, which is neutral and non-polar, with valine, which is neutral and non-polar, at codon 154 of the ACAD9 protein (p.Ile154Val). This variant is present in population databases (rs778926576, gnomAD 0.0009%). This variant has not been reported in the literature in individuals affected with ACAD9-related conditions. Algorithms developed to predict the effect of missense changes on protein structure and function output the following: SIFT: "Tolerated"; PolyPhen-2: "Benign"; Align-GVGD: "Class C0". The valine amino acid residue is found in multiple mammalian species, which suggests that this missense change does not adversely affect protein function. In summary, the available evidence is currently insufficient to determine the role of this variant in disease. Therefore, it has been classified as a Variant of Uncertain Significance.

NM_014049.5(ACAD9):c.460A>G (p.Ile154Val)

Gene: ACAD9 (acyl-CoA dehydrogenase family member 9; plus strand). Cytogenetic location: 3q21.3.
Variant type: single nucleotide variant.
Coding change: c.460A>G on transcript NM_014049.5 (MANE Select); coding-DNA position 460, A replaced by G.
Protein change: p.Ile154Val; replaces isoleucine 154 with valine.
Molecular consequence: missense variant. On other transcripts: non-coding transcript variant (1).
Genome position (GRCh38, 1-based): chr3:128,896,442, A>G. VCF-style: chr3-128896442-A-G. GRCh37 (hg19) VCF-style: chr3-128615285-A-G.
Other names: short protein forms I154V.
Identifiers: ClinVar variation 1450829 (VCV001450829.3), dbSNP rs778926576, ClinGen allele CA2601163.